The following is an entry in ClinVar:

ClinVar aggregate classification (germline): Likely benign (1 of 4 stars; one submission).

Conditions:
KLHL7-related disorder. Also called: KLHL7-related condition; KLHL7-related disorders.

Submission:

PreventionGenetics, part of Exact Sciences
Classification: Likely benign for KLHL7-related condition. Last evaluated: 2024-11-03. Review status: criteria provided, single submitter. Criteria: ACMG Guidelines, 2015. Collection method: clinical testing. Allele origin: germline.
Comment: This variant is classified as likely benign based on ACMG/AMP sequence variant interpretation guidelines (Richards et al. 2015 PMID: 25741868, with internal and published modifications).

NM_001031710.3(KLHL7):c.1178-4A>T

Gene: KLHL7 (kelch like family member 7; plus strand). Cytogenetic location: 7p15.3.
Variant type: single nucleotide variant.
Coding change: c.1178-4A>T on transcript NM_001031710.3 (MANE Select); 4 bases into the intron before coding-DNA position 1178, A replaced by T.
Molecular consequence: intron variant.
Genome position (GRCh38, 1-based): chr7:23,167,832, A>T. VCF-style: chr7-23167832-A-T. GRCh37 (hg19) VCF-style: chr7-23207451-A-T.
Other names: c.1034-4A>T (NM_018846.5).
Identifiers: ClinVar variation 5000067 (VCV005000067.1).